The following is an entry in ClinVar:

NM_003791.4(MBTPS1):c.2543A>G (p.Asn848Ser)

Gene: MBTPS1 (membrane bound transcription factor peptidase, site 1; minus strand). Cytogenetic location: 16q23.3.
Variant type: single nucleotide variant.
Coding change: c.2543A>G on transcript NM_003791.4 (MANE Select); coding-DNA position 2543, A replaced by G.
Protein change: p.Asn848Ser; replaces asparagine 848 with serine.
Molecular consequence: missense variant.
Genome position (GRCh38, 1-based): chr16:84,063,334, T>C on the plus strand (A>G on the coding strand, the complement: MBTPS1 is on the minus strand). VCF-style: chr16-84063334-T-C. GRCh37 (hg19) VCF-style: chr16-84096939-T-C.
Other names: c.2543A>G (NM_003791.2); short protein forms N848S.
Identifiers: ClinVar variation 1405711 (VCV001405711.6), dbSNP rs772622114, ClinGen allele CA8200859.

ClinVar aggregate classification (germline): Uncertain significance. Review status: criteria provided, multiple submitters, no conflicts (2 of 4 stars). 2 submissions from 2 submitters: Uncertain significance (2). Last evaluated 2025-05-09.

Conditions:
Inborn genetic diseases. Identifiers: MedGen C0950123, MeSH D030342.

Allele frequency attached by ClinVar (database versions not stated): gnomAD 0.00005 and 0.00006; gnomAD exomes 0.00005 and 0.00009; ExAC 0.00006; TOPMed 0.00006; 1000 Genomes Project 30x 0.00016.
gnomAD v4.1: 132 of 1,612,912 alleles (0.0082%); highest among the groups gnomAD compares: Non-Finnish European, 0.011%; no homozygotes.

Submissions (2):

Labcorp Genetics (formerly Invitae), Labcorp
Classification: Uncertain significance. Last evaluated: 2025-05-09. Review status: criteria provided, single submitter. Criteria: Invitae Variant Classification Sherloc (09022015). Collection method: clinical testing. Allele origin: germline.
Comment: This sequence change replaces asparagine, which is neutral and polar, with serine, which is neutral and polar, at codon 848 of the MBTPS1 protein (p.Asn848Ser). This variant is present in population databases (rs772622114, gnomAD 0.01%). This variant has not been reported in the literature in individuals affected with MBTPS1-related conditions. ClinVar contains an entry for this variant (Variation ID: 1405711). An algorithm developed to predict the effect of missense changes on protein structure and function (PolyPhen-2) suggests that this variant is likely to be disruptive. In summary, the available evidence is currently insufficient to determine the role of this variant in disease. Therefore, it has been classified as a Variant of Uncertain Significance.

Ambry Genetics
Classification: Uncertain significance for Inborn genetic diseases. Last evaluated: 2023-09-29. Review status: criteria provided, single submitter. Criteria: Ambry Variant Classification Scheme 2023. Collection method: clinical testing. Allele origin: germline.